The following is an entry in ClinVar:

ClinVar aggregate classification (germline): Likely benign. Review status: criteria provided, multiple submitters, no conflicts (2 of 4 stars). 2 submissions from 2 submitters: Likely benign (2). Last evaluated 2024-11-01.

Allele frequency attached by ClinVar (database versions not stated): ESP Exome Variant Server 0.00008.
gnomAD v4.1: 440 of 1,613,982 alleles (0.027%); highest among the groups gnomAD compares: Non-Finnish European, 0.036%; no homozygotes.

Submissions (2):

CeGaT Center for Human Genetics Tuebingen
Classification: Likely benign. Last evaluated: 2024-11-01. Review status: criteria provided, single submitter. Criteria: CeGaT Center For Human Genetics Tuebingen Variant Classification Criteria Version 2. Collection method: clinical testing. Allele origin: germline. Affected: yes. Observed: 1 variant allele.
Comment: NUP85: BP4, BP7

Labcorp Genetics (formerly Invitae), Labcorp
Classification: Likely benign. Last evaluated: 2024-04-13. Review status: criteria provided, single submitter. Criteria: Invitae Variant Classification Sherloc (09022015). Collection method: clinical testing. Allele origin: germline.

NM_024844.5(NUP85):c.1503C>T (p.Leu501=)

Gene: NUP85 (nucleoporin 85; plus strand). Cytogenetic location: 17q25.1.
Variant type: single nucleotide variant.
Coding change: c.1503C>T on transcript NM_024844.5 (MANE Select); coding-DNA position 1503, C replaced by T.
Protein change: p.Leu501=; no amino-acid change (leucine 501 retained).
Molecular consequence: synonymous variant.
Genome position (GRCh38, 1-based): chr17:75,232,957, C>T. VCF-style: chr17-75232957-C-T. GRCh37 (hg19) VCF-style: chr17-73229052-C-T.
Other names: c.1365C>T, p.Leu455= (NM_001303276.2); c.1368C>T, p.Leu456= (NM_001330472.2).
Identifiers: ClinVar variation 2197962 (VCV002197962.18), dbSNP rs201018542, ClinGen allele CA8758882.
Genomic context (GRCh38, chr17:75,232,957, plus strand): 5'-TCGCCTGGGTTCTGCCCTCTCTTGGAGCATCCGTGCTAAGGATGCCGCCTTTGCCACGCT[C>T]GTGTCAGACAGGTGGGTGCCGCTAGTGTTGGCTTCCCAGGGACTGGGTGGTTGAGGTGGG-3'
Protein context (NP_079120.1, residues 491-511): IRAKDAAFAT[Leu501=]VSDRFLRDYC